The following is an entry in ClinVar:

NM_000548.5(TSC2):c.2358_2359del (p.Glu787Aspfs)

Gene: TSC2 (TSC complex subunit 2; plus strand). Cytogenetic location: 16p13.3.
Variant type: Microsatellite.
Coding change: c.2358_2359del on transcript NM_000548.5 (MANE Select); coding-DNA positions 2358 to 2359, 2 bases deleted (CG; older notation c.2358_2359delCG).
Protein change: p.Glu787Aspfs; shifts the reading frame from glutamic acid 787.
Molecular consequence: splice acceptor variant.
Genome position (GRCh38, 1-based): chr16:2,074,202-2,074,203, CG deleted; deleting any 2 consecutive bases within chr16:2,074,199-2,074,203 gives the same sequence; the c. name uses the placement nearest the transcript's 3' end. VCF-style (leftmost placement, unchanged base first): chr16-2074198-AGC-A. GRCh37 (hg19) VCF-style: chr16-2124199-AGC-A.
Other names: c.2358_2359delCG (NM_000548.3).
Identifiers: ClinVar variation 535972 (VCV000535972.7), dbSNP rs1555507462, ClinGen allele CA658798497.
Genomic context (GRCh38, chr16:2,074,198, plus strand): 5'-GGGGTAGGCGAGGCTGCCTCTGCTGCAAGCGGGTGGGGCCTGAGGTGTCCTGTCTCCTGC[AGC>A]GCGAGATGGTCTACTGCCTGGAGCAGGGCCTCATCCACCGCTGTGCCAGCCAGTGCGTCG-3'

ClinVar aggregate classification (germline): Pathogenic (1 of 4 stars; one submission).

Conditions:
Tuberous sclerosis 2 (TSC2). Identifiers: Orphanet 805, MedGen C1860707, MONDO:0013199, OMIM 613254.

Submission:

Labcorp Genetics (formerly Invitae), Labcorp
Classification: Pathogenic for Tuberous sclerosis 2. Last evaluated: 2021-12-08. Review status: criteria provided, single submitter. Criteria: Invitae Variant Classification Sherloc (09022015). Collection method: clinical testing. Allele origin: germline.
Comment: This sequence change creates a premature translational stop signal (p.Glu787Aspfs*30) in the TSC2 gene. It is expected to result in an absent or disrupted protein product. Loss-of-function variants in TSC2 are known to be pathogenic (PMID: 10205261, 17304050). This variant is not present in population databases (gnomAD no frequency). This variant has not been reported in the literature in individuals affected with TSC2-related conditions. ClinVar contains an entry for this variant (Variation ID: 535972). For these reasons, this variant has been classified as Pathogenic.

Literature cited by the submitters: PubMed 10205261; PubMed 17304050.